The following is an entry in ClinVar:

ClinVar aggregate classification (germline): Pathogenic (1 of 4 stars; one submission).

Submission:

Quest Diagnostics Nichols Institute San Juan Capistrano
Classification: Pathogenic. Last evaluated: 2021-12-21. Review status: criteria provided, single submitter. Criteria: ACMG/ClinGen CNV Guidelines, 2019. Collection method: clinical testing. Allele origin: unknown.
Comment: This copy number loss of 22q13.31q13.33 includes multiple genes including SHANK3 (OMIM 606230). This deletion causes Phelan-McDermid syndrome (PMS; OMIM 606232), also called 22q13.3 deletion syndrome, which is a neurodevelopmental disorder characterized by global developmental delay, intellectual disability, severe speech delays, hypotonia, and autism spectrum disorder (ASD).

GRCh37/hg19 22q13.31-13.33(chr22:45977448-51197838)x1

Genes: ACR (acrosin; plus strand), ADM2 (adrenomedullin 2; plus strand), ALG12 (ALG12 alpha-1,6-mannosyltransferase; minus strand), ARSA (arylsulfatase A; minus strand), ATXN10 (ataxin 10; plus strand) and 47 more. Cytogenetic location: 22q13.31-13.33.
Variant type: copy number loss.
Change: copy number 1 (one copy instead of two) of chr22:45,977,448-51,197,838 (5.22 Mb, GRCh37 coordinates, 1-based), cytogenetic band 22q13.31-13.33.
Identifiers: ClinVar variation 1807836 (VCV001807836.1).